The following is an entry in ClinVar:

NM_003002.4(SDHD):c.315-1845A>G

Gene: SDHD (succinate dehydrogenase complex subunit D; plus strand). Cytogenetic location: 11q23.1.
Variant type: single nucleotide variant.
Coding change: c.315-1845A>G on transcript NM_003002.4 (MANE Select); 1845 bases into the intron before coding-DNA position 315, A replaced by G.
Molecular consequence: intron variant.
Genome position (GRCh38, 1-based): chr11:112,092,960, A>G. VCF-style: chr11-112092960-A-G. GRCh37 (hg19) VCF-style: chr11-111963684-A-G.
Other names: c.315-120A>G (NM_001276506.2); c.170-1845A>G (NM_001276503.2); c.198-1845A>G (NM_001276504.2).
Identifiers: ClinVar variation 679797 (VCV000679797.1), dbSNP rs115588758, ClinGen allele CA228554295.

ClinVar aggregate classification (germline): Likely benign (1 of 4 stars; one submission).

Allele frequency attached by ClinVar (database versions not stated): gnomAD exomes 0.00011; 1000 Genomes Project 0.00619; gnomAD 0.00735 and 0.00801; 1000 Genomes Project 30x 0.00765; TOPMed 0.00846.

Submission:

GeneDx
Classification: Likely benign. Last evaluated: 2018-06-18. Review status: criteria provided, single submitter. Criteria: GeneDx Variant Classification (06012015). Collection method: clinical testing. Allele origin: germline. Affected: yes.
Comment: This variant is considered likely benign or benign based on one or more of the following criteria: it is a conservative change, it occurs at a poorly conserved position in the protein, it is predicted to be benign by multiple in silico algorithms, and/or has population frequency not consistent with disease.